The following is an entry in ClinVar:

ClinVar aggregate classification (germline): Likely benign. Review status: criteria provided, multiple submitters, no conflicts (2 of 4 stars). 3 submissions from 3 submitters: Likely benign (3). Last evaluated 2025-09-20.

Conditions:
Wilson disease (WND). Also called: Wilson's disease. Identifiers: Orphanet 905, MedGen C0019202, MONDO:0010200, OMIM 277900. Disease mechanism: loss of function.

Allele frequency attached by ClinVar (database versions not stated): gnomAD 0.00001; gnomAD exomes 0.00001 and 0.00002; ExAC 0.00003; TOPMed 0.00005.
gnomAD v4.1: 10 of 1,613,908 alleles (0.00062%); highest among the groups gnomAD compares: South Asian, 0.0077%; no homozygotes.

Submissions (3):

Labcorp Genetics (formerly Invitae), Labcorp
Classification: Likely benign for Wilson disease. Last evaluated: 2025-09-20. Review status: criteria provided, single submitter. Criteria: Invitae Variant Classification Sherloc (09022015). Collection method: clinical testing. Allele origin: germline.

All of Us Research Program, National Institutes of Health
Classification: Likely benign for Wilson disease. Last evaluated: 2024-02-05. Review status: criteria provided, single submitter. Criteria: ACMG Guidelines, 2015. Collection method: clinical testing. Allele origin: germline. Inheritance: Autosomal recessive inheritance. Observed: 5 variant alleles, 5 heterozygotes.
Comment: This study involves interpretation of variants in research participants for the purpose of population health screening. Participant phenotype was not available at the time of variant classification. Additional details can be found in publication PMID: 35346344, PMCID: PMC8962531

Color Diagnostics, LLC DBA Color Health
Classification: Likely benign for Wilson disease. Last evaluated: 2022-08-02. Review status: criteria provided, single submitter. Criteria: ACMG Guidelines, 2015. Collection method: clinical testing. Allele origin: germline.

NM_000053.4(ATP7B):c.4188G>A (p.Thr1396=)

Gene: ATP7B (ATPase copper transporting beta; minus strand). Cytogenetic location: 13q14.3.
Variant type: single nucleotide variant.
Coding change: c.4188G>A on transcript NM_000053.4 (MANE Select); coding-DNA position 4188, G replaced by A.
Protein change: p.Thr1396=; no amino-acid change (threonine 1396 retained).
Molecular consequence: synonymous variant.
Genome position (GRCh38, 1-based): chr13:51,934,966, C>T on the plus strand (G>A on the coding strand, the complement: ATP7B is on the minus strand). VCF-style: chr13-51934966-C-T. GRCh37 (hg19) VCF-style: chr13-52509102-C-T.
Other names: c.3567G>A, p.Thr1189= (NM_001005918.3); c.3855G>A, p.Thr1285= (NM_001243182.2); c.3954G>A, p.Thr1318= (NM_001330578.2); c.3936G>A, p.Thr1312= (NM_001330579.2).
Identifiers: ClinVar variation 1561997 (VCV001561997.9), dbSNP rs755406059, ClinGen allele CA6988459.